The following is an entry in ClinVar:

NM_005996.4(TBX3):c.*4C>T

Gene: TBX3 (T-box transcription factor 3; minus strand). Cytogenetic location: 12q24.21.
Variant type: single nucleotide variant.
Coding change: c.*4C>T on transcript NM_005996.4 (MANE Select); 4 bases downstream of the stop codon, C replaced by T.
Molecular consequence: 3 prime UTR variant.
Genome position (GRCh38, 1-based): chr12:114,671,837, G>A on the plus strand (C>T on the coding strand, the complement: TBX3 is on the minus strand). VCF-style: chr12-114671837-G-A. GRCh37 (hg19) VCF-style: chr12-115109642-G-A.
Other names: c.*4C>T (NM_016569.4).
Identifiers: ClinVar variation 3352768 (VCV003352768.1).

ClinVar aggregate classification (germline): Likely benign (0 of 4 stars; one submission).

Conditions:
TBX3-related disorder. Also called: TBX3-related condition.

gnomAD v4.1: 10 of 1,553,466 alleles (0.00064%); highest among the groups gnomAD compares: South Asian, 0.0059%; no homozygotes.

Submission:

PreventionGenetics, part of Exact Sciences
Classification: Likely benign for TBX3-related condition. Last evaluated: 2024-05-24. Review status: no assertion criteria provided. Collection method: clinical testing. Allele origin: germline.
Comment: This variant is classified as likely benign based on ACMG/AMP sequence variant interpretation guidelines (Richards et al. 2015 PMID: 25741868, with internal and published modifications).